The following is an entry in ClinVar:

NM_004285.4(H6PD):c.635C>T (p.Ala212Val)

Gene: H6PD (hexose-6-phosphate dehydrogenase/glucose 1-dehydrogenase; plus strand). Cytogenetic location: 1p36.22.
Variant type: single nucleotide variant.
Coding change: c.635C>T on transcript NM_004285.4 (MANE Select); coding-DNA position 635, C replaced by T.
Protein change: p.Ala212Val; replaces alanine 212 with valine.
Molecular consequence: missense variant.
Genome position (GRCh38, 1-based): chr1:9,246,973, C>T. VCF-style: chr1-9246973-C-T. GRCh37 (hg19) VCF-style: chr1-9307032-C-T.
Other names: c.668C>T, p.Ala223Val (NM_001282587.2); short protein forms A223V, A212V.
Identifiers: ClinVar variation 734104 (VCV000734104.11), dbSNP rs143104068, ClinGen allele CA575017.
Genomic context (GRCh38, chr1:9,246,973, plus strand): 5'-CTCCTTCATCGTGAGAGTATCCTGCAGCACGCCCAGTCTTCCCCCCCCGACAGGCTGTGG[C>T]GCAGATCCTGCCTTTCCGAGACCAGAACCGCAAGGCTTTGGACGGCCTCTGGAACCGGCA-3'
Protein context (NP_004276.2, residues 202-222): VDHYLGKQAV[Ala212Val]QILPFRDQNR

ClinVar aggregate classification (germline): Conflicting classifications of pathogenicity. Review status: criteria provided, conflicting classifications (1 of 4 stars). 3 submissions from 3 submitters: Uncertain significance (1); Benign (1). 1 of the submissions does not count toward it. Last evaluated 2026-01-16.

Conditions:
H6PD-related disorder. Also called: H6PD-related condition.

Allele frequency attached by ClinVar (database versions not stated): gnomAD exomes 0.00037 and 0.00090; ExAC 0.00100; ESP Exome Variant Server 0.00231; TOPMed 0.00269; gnomAD 0.00278 and 0.00293; 1000 Genomes Project 0.00280; 1000 Genomes Project 30x 0.00328.
gnomAD v4.1: 966 of 1,610,974 alleles (0.06%); highest among the groups gnomAD compares: African/African-American, 0.88%; 1 homozygote.

Submissions (3):

Labcorp Genetics (formerly Invitae), Labcorp
Classification: Benign. Last evaluated: 2026-01-16. Review status: criteria provided, single submitter. Criteria: Invitae Variant Classification Sherloc (09022015). Collection method: clinical testing. Allele origin: germline.

GeneDx
Classification: Uncertain significance. Last evaluated: 2020-09-21. Review status: criteria provided, single submitter. Criteria: GeneDx Variant Classification Process June 2021. Collection method: clinical testing. Allele origin: germline. Affected: yes.
Comment: In silico analysis, which includes protein predictors and evolutionary conservation, supports that this variant does not alter protein structure/function; Has not been previously published as pathogenic or benign to our knowledge

PreventionGenetics, part of Exact Sciences
Classification: Benign for H6PD-related condition. Last evaluated: 2019-11-12. Review status: no assertion criteria provided. Collection method: clinical testing. Allele origin: germline. Not counted in ClinVar's aggregate classification.
Comment: This variant is classified as benign based on ACMG/AMP sequence variant interpretation guidelines (Richards et al. 2015 PMID: 25741868, with internal and published modifications).